The following is an entry in ClinVar:

ClinVar aggregate classification (germline): Uncertain significance. Review status: criteria provided, multiple submitters, no conflicts (2 of 4 stars). 2 submissions from 2 submitters: Uncertain significance (2). Last evaluated 2024-05-31.

Submissions (2):

Labcorp Genetics (formerly Invitae), Labcorp
Classification: Uncertain significance. Last evaluated: 2024-05-31. Review status: criteria provided, single submitter. Criteria: Invitae Variant Classification Sherloc (09022015). Collection method: clinical testing. Allele origin: germline.
Comment: This sequence change replaces phenylalanine, which is neutral and non-polar, with isoleucine, which is neutral and non-polar, at codon 229 of the AVPR2 protein (p.Phe229Ile). This variant is not present in population databases (gnomAD no frequency). This variant has not been reported in the literature in individuals affected with AVPR2-related conditions. Advanced modeling of protein sequence and biophysical properties (such as structural, functional, and spatial information, amino acid conservation, physicochemical variation, residue mobility, and thermodynamic stability) performed at Invitae indicates that this missense variant is not expected to disrupt AVPR2 protein function with a negative predictive value of 80%. In summary, the available evidence is currently insufficient to determine the role of this variant in disease. Therefore, it has been classified as a Variant of Uncertain Significance.

GeneDx
Classification: Uncertain significance. Last evaluated: 2024-02-15. Review status: criteria provided, single submitter. Criteria: GeneDx Variant Classification Process June 2021. Collection method: clinical testing. Allele origin: germline. Affected: yes.
Comment: Not observed at significant frequency in large population cohorts (gnomAD); In silico analysis supports that this missense variant does not alter protein structure/function; Has not been previously published as pathogenic or benign to our knowledge

NM_000054.7(AVPR2):c.685T>A (p.Phe229Ile)

Gene: AVPR2 (arginine vasopressin receptor 2; plus strand). Cytogenetic location: Xq28.
Variant type: single nucleotide variant.
Coding change: c.685T>A on transcript NM_000054.7 (MANE Select); coding-DNA position 685, T replaced by A.
Protein change: p.Phe229Ile; replaces phenylalanine 229 with isoleucine.
Molecular consequence: missense variant. On other transcripts: non-coding transcript variant (1).
Genome position (GRCh38, 1-based): chrX:153,906,191, T>A. VCF-style: chrX-153906191-T-A. GRCh37 (hg19) VCF-style: chrX-153171645-T-A.
Other names: c.685T>A, p.Phe229Ile (NM_001146151.3); short protein forms F229I.
Identifiers: ClinVar variation 3369035 (VCV003369035.3).
Genomic context (GRCh38, chrX:153,906,191, plus strand): 5'-ATTGCCCTGATGGTGTTCGTGGCACCTACCCTGGGTATCGCCGCCTGCCAGGTGCTCATC[T>A]TCCGGGAGATTCATGCCAGTCTGGTGCCAGGGCCATCAGAGAGGCCTGGGGGGCGCCGCA-3'
Protein context (NP_000045.1, residues 219-239): LGIAACQVLI[Phe229Ile]REIHASLVPG